The following is an entry in ClinVar:

NM_000081.4(LYST):c.7461-1G>A

Gene: LYST (lysosomal trafficking regulator; minus strand). Cytogenetic location: 1q42.3.
Variant type: single nucleotide variant.
Coding change: c.7461-1G>A on transcript NM_000081.4 (MANE Select); the canonical splice acceptor site of the intron before coding-DNA position 7461, G replaced by A.
Molecular consequence: splice acceptor variant.
Genome position (GRCh38, 1-based): chr1:235,752,172, C>T on the plus strand (G>A on the coding strand, the complement: LYST is on the minus strand). VCF-style: chr1-235752172-C-T. GRCh37 (hg19) VCF-style: chr1-235915472-C-T.
Other names: c.7461-1G>A (NM_001301365.1).
Identifiers: ClinVar variation 2728637 (VCV002728637.3), dbSNP rs2527723147, ClinGen allele CA344931076.
Genomic context (GRCh38, chr1:235,752,172, plus strand): 5'-ACTGCTATGAAAAGTTGCTGTATATCACAAGCAAGCAATTTATATTCACTCATGGGAATG[C>T]TAAAGATAACAACAAAAGAAGAAAACAGAACATTTATAAGAAAAAGAACAAATAATTTAA-3'

ClinVar aggregate classification (germline): Likely pathogenic (1 of 4 stars; one submission).

Conditions:
Chédiak-Higashi syndrome (CHS). Also called: Chediak-Higashi Syndrome. Identifiers: Orphanet 167, MedGen C0007965, MONDO:0008963, OMIM 214500.

Submission:

Labcorp Genetics (formerly Invitae), Labcorp
Classification: Likely pathogenic for Chédiak-Higashi syndrome. Last evaluated: 2023-06-25. Review status: criteria provided, single submitter. Criteria: Invitae Variant Classification Sherloc (09022015). Collection method: clinical testing. Allele origin: germline.
Comment: This sequence change affects an acceptor splice site in intron 26 of the LYST gene. It is expected to disrupt RNA splicing. Variants that disrupt the donor or acceptor splice site typically lead to a loss of protein function (PMID: 16199547), and loss-of-function variants in LYST are known to be pathogenic (PMID: 9215679, 11857544). In summary, the currently available evidence indicates that the variant is pathogenic, but additional data are needed to prove that conclusively. Therefore, this variant has been classified as Likely Pathogenic. Algorithms developed to predict the effect of sequence changes on RNA splicing suggest that this variant may disrupt the consensus splice site. This variant has not been reported in the literature in individuals affected with LYST-related conditions. This variant is not present in population databases (gnomAD no frequency).

Literature cited by the submitters: PubMed 16199547; PubMed 9215679; PubMed 11857544.